The following is an entry in ClinVar:

ClinVar aggregate classification (germline): Uncertain significance (1 of 4 stars; one submission).

Conditions:
Hereditary cancer-predisposing syndrome. Also called: Tumor predisposition; Hereditary Cancer Syndrome; Neoplastic Syndromes, Hereditary; Hereditary neoplastic syndrome. Identifiers: Orphanet 140162, MedGen C0027672, MeSH D009386, MONDO:0015356.

Submission:

Color Diagnostics, LLC DBA Color Health
Classification: Uncertain significance for Hereditary cancer-predisposing syndrome. Last evaluated: 2021-04-14. Review status: criteria provided, single submitter. Criteria: ACMG Guidelines, 2015. Collection method: clinical testing. Allele origin: germline.
Comment: This variant duplicates nine nucleotides in exon 8 of the MSH6 gene resulting in an in-frame insertion of three amino acids. To our knowledge, functional studies have not been reported for this variant. This variant has not been reported in individuals affected with hereditary cancer in the literature. This variant has not been identified in the general population by the Genome Aggregation Database (gnomAD). The available evidence is insufficient to determine the role of this variant in disease conclusively. Therefore, this variant is classified as a Variant of Uncertain Significance.

NM_000179.3(MSH6):c.3731_3739dup (p.Ser1246_Thr1247insIlePheSer)

Gene: MSH6 (mutS homolog 6; plus strand). Cytogenetic location: 2p16.3.
Variant type: Duplication.
Coding change: c.3731_3739dup on transcript NM_000179.3 (MANE Select); coding-DNA positions 3731 to 3739, 9 bases duplicated (TATTTTCAA; older notation c.3731_3739dupTATTTTCAA).
Protein change: p.Ser1246_Thr1247insIlePheSer.
Molecular consequence: inframe insertion.
Genome position (GRCh38, 1-based): chr2:47,806,288-47,806,296, TATTTTCAA duplicated. VCF-style (leftmost placement, unchanged base first): chr2-47806287-T-TTATTTTCAA. GRCh37 (hg19) VCF-style: chr2-48033426-T-TTATTTTCAA.
Other names: c.3341_3349dup, p.Ser1116_Thr1117insIlePheSer (NM_001281492.2); c.2825_2833dup, p.Ser944_Thr945insIlePheSer (NM_001281493.2, NM_001281494.2).
Identifiers: ClinVar variation 1332649 (VCV001332649.2), dbSNP rs2104542561, ClinGen allele CA2573051972.
Genomic context (GRCh38, chr2:47,806,287, plus strand): 5'-GGGACGGCAATAGCAAATGCAGTTGTTAAAGAACTTGCTGAGACTATAAAATGTCGTACA[T>TTATTTTCAA]TATTTTCAACTCACTACCATTCATTAGTAGAAGATTATTCTCAAAATGTTGCTGTGCGCC-3'